The following is an entry in ClinVar:

NM_002470.4(MYH3):c.1260+3A>G

Gene: MYH3 (myosin heavy chain 3; minus strand). Cytogenetic location: 17p13.1.
Variant type: single nucleotide variant.
Coding change: c.1260+3A>G on transcript NM_002470.4 (MANE Select); 3 bases into the intron after coding-DNA position 1260, A replaced by G.
Molecular consequence: intron variant.
Genome position (GRCh38, 1-based): chr17:10,644,581, T>C on the plus strand (A>G on the coding strand, the complement: MYH3 is on the minus strand). VCF-style: chr17-10644581-T-C. GRCh37 (hg19) VCF-style: chr17-10547898-T-C.
Identifiers: ClinVar variation 4716229 (VCV004716229.1).

ClinVar aggregate classification (germline): Uncertain significance (1 of 4 stars; one submission).

Submission:

Labcorp Genetics (formerly Invitae), Labcorp
Classification: Uncertain significance. Last evaluated: 2025-09-29. Review status: criteria provided, single submitter. Criteria: Invitae Variant Classification Sherloc (09022015). Collection method: clinical testing. Allele origin: germline.
Comment: This sequence change falls in intron 13 of the MYH3 gene. It does not directly change the encoded amino acid sequence of the MYH3 protein. It affects a nucleotide within the consensus splice site. This variant is not present in population databases (gnomAD no frequency). This variant has not been reported in the literature in individuals affected with MYH3-related conditions. Variants that disrupt the consensus splice site are a relatively common cause of aberrant splicing (PMID: 17576681, 9536098). Algorithms developed to predict the effect of sequence changes on RNA splicing suggest that this variant may disrupt the consensus splice site. In summary, the available evidence is currently insufficient to determine the role of this variant in disease. Therefore, it has been classified as a Variant of Uncertain Significance.

Literature cited by the submitters: PubMed 17576681; PubMed 9536098.